The following is an entry in ClinVar:

NM_206933.4(USH2A):c.15114C>T (p.Tyr5038=)

Gene: USH2A (usherin; minus strand). Cytogenetic location: 1q41.
Variant type: single nucleotide variant.
Coding change: c.15114C>T on transcript NM_206933.4 (MANE Select); coding-DNA position 15114, C replaced by T.
Protein change: p.Tyr5038=; no amino-acid change (tyrosine 5038 retained).
Molecular consequence: synonymous variant.
Genome position (GRCh38, 1-based): chr1:215,634,642, G>A on the plus strand (C>T on the coding strand, the complement: USH2A is on the minus strand). VCF-style: chr1-215634642-G-A. GRCh37 (hg19) VCF-style: chr1-215807984-G-A.
Other names: c.15114C>T (NM_206933.2).
Identifiers: ClinVar variation 1084598 (VCV001084598.10), dbSNP rs759701844, ClinGen allele CA1392785.
Genomic context (GRCh38, chr1:215,634,642, plus strand): 5'-AAAAATGGCCAACAAGATCAAGCCCAGCATCGCCATTAACACTATGAACCACAGCTCGCT[G>A]TAGAACTCTGTGCTTTTGCTCCGCGATCCCTTCTTTTTCCCAGGAGTTGTTAGGACCAAG-3'
Protein context (NP_996816.3, residues 5028-5048): KGSRSKSTEF[Tyr5038=]SELWFIVLMA

ClinVar aggregate classification (germline): Likely benign. Review status: criteria provided, multiple submitters, no conflicts (2 of 4 stars). 2 submissions from 2 submitters: Likely benign (2). Last evaluated 2024-12-13.

Conditions:
USH2A-related disorder. Also called: USH2A-related disorders; USH2A-related condition. Identifiers: MedGen CN239332.

Allele frequency attached by ClinVar (database versions not stated): gnomAD exomes below 0.00001 and 0.00003; gnomAD 0.00001; ExAC 0.00002.
gnomAD v4.1: 16 of 1,614,134 alleles (0.00099%); highest among the groups gnomAD compares: East Asian, 0.033%; no homozygotes.

Submissions (2):

PreventionGenetics, part of Exact Sciences
Classification: Likely benign for USH2A-related condition. Last evaluated: 2024-12-13. Review status: criteria provided, single submitter. Criteria: ACMG Guidelines, 2015. Collection method: clinical testing. Allele origin: germline.
Comment: This variant is classified as likely benign based on ACMG/AMP sequence variant interpretation guidelines (Richards et al. 2015 PMID: 25741868, with internal and published modifications).

Labcorp Genetics (formerly Invitae), Labcorp
Classification: Likely benign. Last evaluated: 2023-12-03. Review status: criteria provided, single submitter. Criteria: Invitae Variant Classification Sherloc (09022015). Collection method: clinical testing. Allele origin: germline.